The following is an entry in ClinVar:

ClinVar aggregate classification (germline): Uncertain significance. Review status: criteria provided, multiple submitters, no conflicts (2 of 4 stars). 2 submissions from 2 submitters: Uncertain significance (2). Last evaluated 2024-11-07.

Allele frequency attached by ClinVar (database versions not stated): gnomAD exomes 0.00002 and 0.00006; ExAC 0.00007; gnomAD 0.00011 and 0.00014; TOPMed 0.00021; ESP Exome Variant Server 0.00031.
gnomAD v4.1: 46 of 1,613,072 alleles (0.0029%); highest among the groups gnomAD compares: African/African-American, 0.037%; no homozygotes.

Submissions (2):

GeneDx
Classification: Uncertain significance. Last evaluated: 2024-11-07. Review status: criteria provided, single submitter. Criteria: GeneDx Variant Classification Process June 2021. Collection method: clinical testing. Allele origin: germline. Affected: yes.
Comment: In silico analysis indicates that this missense variant does not alter protein structure/function; Has not been previously published as pathogenic or benign to our knowledge

Labcorp Genetics (formerly Invitae), Labcorp
Classification: Uncertain significance. Last evaluated: 2024-10-23. Review status: criteria provided, single submitter. Criteria: Invitae Variant Classification Sherloc (09022015). Collection method: clinical testing. Allele origin: germline.
Comment: This sequence change replaces glutamic acid, which is acidic and polar, with lysine, which is basic and polar, at codon 1354 of the CUL7 protein (p.Glu1354Lys). This variant is present in population databases (rs375714886, gnomAD 0.06%). This variant has not been reported in the literature in individuals affected with CUL7-related conditions. ClinVar contains an entry for this variant (Variation ID: 1369361). An algorithm developed to predict the effect of missense changes on protein structure and function outputs the following: PolyPhen-2: "Benign". The lysine amino acid residue is found in multiple mammalian species, which suggests that this missense change does not adversely affect protein function. In summary, the available evidence is currently insufficient to determine the role of this variant in disease. Therefore, it has been classified as a Variant of Uncertain Significance.

NM_014780.5(CUL7):c.4060G>A (p.Glu1354Lys)

Gene: CUL7 (cullin 7; minus strand). Cytogenetic location: 6p21.1.
Variant type: single nucleotide variant.
Coding change: c.4060G>A on transcript NM_014780.5 (MANE Select); coding-DNA position 4060, G replaced by A.
Protein change: p.Glu1354Lys; replaces glutamic acid 1354 with lysine.
Molecular consequence: missense variant.
Genome position (GRCh38, 1-based): chr6:43,040,390, C>T on the plus strand (G>A on the coding strand, the complement: CUL7 is on the minus strand). VCF-style: chr6-43040390-C-T. GRCh37 (hg19) VCF-style: chr6-43008128-C-T.
Other names: c.4156G>A, p.Glu1386Lys (NM_001168370.2, NM_001374872.1); c.4060G>A, p.Glu1354Lys (NM_001374873.1); c.4057G>A, p.Glu1353Lys (NM_001374874.1); c.4060G>A (NM_014780.4); short protein forms E1354K, E1353K, E1386K.
Identifiers: ClinVar variation 1369361 (VCV001369361.5), dbSNP rs375714886, ClinGen allele CA3813305.